The following is an entry in ClinVar:

NM_022051.3(EGLN1):c.188G>A (p.Gly63Asp)

Gene: EGLN1 (egl-9 family hypoxia inducible factor 1; minus strand). Cytogenetic location: 1q42.2.
Variant type: single nucleotide variant.
Coding change: c.188G>A on transcript NM_022051.3 (MANE Select); coding-DNA position 188, G replaced by A.
Protein change: p.Gly63Asp; replaces glycine 63 with aspartic acid.
Molecular consequence: missense variant.
Genome position (GRCh38, 1-based): chr1:231,421,701, C>T on the plus strand (G>A on the coding strand, the complement: EGLN1 is on the minus strand). VCF-style: chr1-231421701-C-T. GRCh37 (hg19) VCF-style: chr1-231557447-C-T.
Other names: c.188G>A, p.Gly63Asp (NM_001377260.1, NM_001377261.1); short protein forms G63D.
Identifiers: ClinVar variation 1782048 (VCV001782048.2), dbSNP rs2527361420, ClinGen allele CA345238704.

ClinVar aggregate classification (germline): Uncertain significance (1 of 4 stars; one submission).

Submission:

Ambry Genetics
Classification: Uncertain significance. Last evaluated: 2022-03-16. Review status: criteria provided, single submitter. Criteria: Ambry Variant Classification Scheme 2023. Collection method: clinical testing. Allele origin: germline.
Comment: The p.G63D variant (also known as c.188G>A), located in coding exon 1 of the EGLN1 gene, results from a G to A substitution at nucleotide position 188. The glycine at codon 63 is replaced by aspartic acid, an amino acid with similar properties. This amino acid position is conserved. In addition, this alteration is predicted to be tolerated by in silico analysis. Since supporting evidence is limited at this time, the clinical significance of this alteration remains unclear.